The following is an entry in ClinVar:

ClinVar aggregate classification (germline): Conflicting classifications of pathogenicity. Review status: criteria provided, conflicting classifications (1 of 4 stars). 2 submissions from 2 submitters: Uncertain significance (1); Likely benign (1). Last evaluated 2025-04-22.

Conditions:
Hereditary nonpolyposis colorectal neoplasms. Identifiers: MedGen C0009405, MeSH D003123.
Hereditary cancer-predisposing syndrome. Also called: Hereditary neoplastic syndrome; Tumor predisposition; Hereditary Cancer Syndrome; Neoplastic Syndromes, Hereditary. Identifiers: Orphanet 140162, MedGen C0027672, MeSH D009386, MONDO:0015356.

Submissions (2):

Ambry Genetics
Classification: Likely benign for Hereditary cancer-predisposing syndrome. Last evaluated: 2025-04-22. Review status: criteria provided, single submitter. Criteria: Ambry Variant Classification Scheme 2023. Collection method: clinical testing. Allele origin: germline.

Labcorp Genetics (formerly Invitae), Labcorp
Classification: Uncertain significance for Hereditary nonpolyposis colorectal neoplasms. Last evaluated: 2024-08-07. Review status: criteria provided, single submitter. Criteria: Invitae Variant Classification Sherloc (09022015). Collection method: clinical testing. Allele origin: germline.
Comment: This sequence change replaces threonine, which is neutral and polar, with isoleucine, which is neutral and non-polar, at codon 327 of the MSH6 protein (p.Thr327Ile). This variant is not present in population databases (gnomAD no frequency). This variant has not been reported in the literature in individuals affected with MSH6-related conditions. Advanced modeling of protein sequence and biophysical properties (such as structural, functional, and spatial information, amino acid conservation, physicochemical variation, residue mobility, and thermodynamic stability) performed at Invitae indicates that this missense variant is not expected to disrupt MSH6 protein function with a negative predictive value of 95%. In summary, the available evidence is currently insufficient to determine the role of this variant in disease. Therefore, it has been classified as a Variant of Uncertain Significance.

NM_000179.3(MSH6):c.980C>T (p.Thr327Ile)

Gene: MSH6 (mutS homolog 6; plus strand). Cytogenetic location: 2p16.3.
Variant type: single nucleotide variant.
Coding change: c.980C>T on transcript NM_000179.3 (MANE Select); coding-DNA position 980, C replaced by T.
Protein change: p.Thr327Ile; replaces threonine 327 with isoleucine.
Molecular consequence: missense variant. On other transcripts: non-coding transcript variant (4), intron variant (1).
Genome position (GRCh38, 1-based): chr2:47,798,963, C>T. VCF-style: chr2-47798963-C-T. GRCh37 (hg19) VCF-style: chr2-48026102-C-T.
Other names: c.590C>T, p.Thr197Ile (NM_001281492.2); c.74C>T, p.Thr25Ile (NM_001281493.2, NM_001281494.2, NM_001406811.1 and 6 more transcripts); c.1076C>T, p.Thr359Ile (NM_001406795.1, NM_001406802.1); c.980C>T, p.Thr327Ile (NM_001406796.1, NM_001406798.1, NM_001406800.1 and 4 more transcripts); c.683C>T, p.Thr228Ile (NM_001406797.1, NM_001406801.1, NM_001406805.1 and 10 more transcripts); c.455C>T, p.Thr152Ile (NM_001406799.1, NM_001406806.1, NM_001406807.1); c.902C>T, p.Thr301Ile (NM_001406804.1); c.986C>T, p.Thr329Ile (NM_001406813.1); and 2 more; short protein forms T197I, T228I, T327I, T329I, T271I, T359I, T25I, T152I.
Identifiers: ClinVar variation 3703403 (VCV003703403.3).